The following is an entry in ClinVar:

NM_004973.4(JARID2):c.2600A>G (p.Lys867Arg)

Gene: JARID2 (jumonji and AT-rich interaction domain containing 2; plus strand). Cytogenetic location: 6p22.3.
Variant type: single nucleotide variant.
Coding change: c.2600A>G on transcript NM_004973.4 (MANE Select); coding-DNA position 2600, A replaced by G.
Protein change: p.Lys867Arg; replaces lysine 867 with arginine.
Molecular consequence: missense variant.
Genome position (GRCh38, 1-based): chr6:15,507,194, A>G. VCF-style: chr6-15507194-A-G. GRCh37 (hg19) VCF-style: chr6-15507425-A-G.
Other names: c.2084A>G, p.Lys695Arg (NM_001267040.1); short protein forms K695R, K867R.
Identifiers: ClinVar variation 3360513 (VCV003360513.1).

ClinVar aggregate classification (germline): Uncertain significance (1 of 4 stars; one submission).

Submission:

GeneDx
Classification: Uncertain significance. Last evaluated: 2023-06-27. Review status: criteria provided, single submitter. Criteria: GeneDx Variant Classification Process June 2021. Collection method: clinical testing. Allele origin: germline. Affected: yes.
Comment: Not observed at significant frequency in large population cohorts (gnomAD); In silico analysis supports that this missense variant does not alter protein structure/function; Has not been previously published as pathogenic or benign to our knowledge